The following is an entry in ClinVar:

ClinVar aggregate classification (germline): Likely benign (1 of 4 stars; one submission).

Allele frequency attached by ClinVar (database versions not stated): gnomAD exomes 0.00002; gnomAD 0.00003.
gnomAD v4.1: 26 of 1,332,564 alleles (0.002%); highest among the groups gnomAD compares: Non-Finnish European, 0.0022%; no homozygotes.

Submission:

CeGaT Center for Human Genetics Tuebingen
Classification: Likely benign. Last evaluated: 2023-01-01. Review status: criteria provided, single submitter. Criteria: CeGaT Center For Human Genetics Tuebingen Variant Classification Criteria Version 2. Collection method: clinical testing. Allele origin: germline. Affected: yes. Observed: 1 variant allele.
Comment: MUC4: BP4, BP7

NM_018406.7(MUC4):c.10041C>A (p.Val3347=)

Gene: MUC4 (mucin 4, cell surface associated). Cytogenetic location: 3q29.
Variant type: single nucleotide variant.
Coding change: c.10041C>A on transcript NM_018406.7 (MANE Select); coding-DNA position 10041, C replaced by A.
Protein change: p.Val3347=; no amino-acid change (valine 3347 retained).
Molecular consequence: synonymous variant. On other transcripts: genic upstream transcript variant (2).
Genome position (GRCh38, 1-based): chr3:195,781,539, G>T on the plus strand (C>A on the coding strand, the complement: MUC4 is on the minus strand). VCF-style: chr3-195781539-G-T. GRCh37 (hg19) VCF-style: chr3-195508410-G-T.
Other names: c.14811C>A, p.Val4937= (NM_001322468.1); c.83-7234C>A (NM_138297.5); c.83-3084C>A (NM_004532.6).
Identifiers: ClinVar variation 2654435 (VCV002654435.24), dbSNP rs543845438, ClinGen allele CA438037685.